The following is an entry in ClinVar:

NC_000023.10:g.(?_32456338)_(32841967_?)dup

Genes: DMD (dystrophin; minus strand), MIR3915 (microRNA 3915; minus strand), MIR548F5 (microRNA 548f-5; minus strand). Cytogenetic location: Xp21.1.
Variant type: Duplication.
Identifiers: ClinVar variation 526157 (VCV000526157.5).

ClinVar aggregate classification (germline): Uncertain significance (1 of 4 stars; one submission).

Conditions:
Duchenne muscular dystrophy (DMD). Also called: Duchenne Muscular Dystrophy (DMD); MUSCULAR DYSTROPHY, PSEUDOHYPERTROPHIC PROGRESSIVE, DUCHENNE TYPE. Identifiers: Orphanet 98896, MedGen C0013264, MONDO:0010679, OMIM 310200.

Submission:

Labcorp Genetics (formerly Invitae), Labcorp
Classification: Uncertain significance for Duchenne muscular dystrophy. Last evaluated: 2019-10-03. Review status: criteria provided, single submitter. Criteria: Invitae Variant Classification Sherloc (09022015). Collection method: clinical testing. Allele origin: germline.
Comment: In summary, the available evidence is currently insufficient to determine the role of this variant in disease. Therefore, it has been classified as a Variant of Uncertain Significance. Experimental studies and prediction algorithms are not available or were not evaluated, and the functional significance of this variant is currently unknown. A similar duplication has been reported in in two female carriers from a family affected with Duchenne or Becker muscular dystrophy (PMID: 15655674) This variant results in a copy number gain of the genomic region encompassing exons 5-29 of the DMD gene. While the exact position of this variant cannot be determined from this data, sub-genic copy number gains are generally in tandem (PMID: 25640679). This variant would be expected to be in-frame, preserving the integrity of the reading frame.

Literature cited by the submitters: PubMed 15655674; PubMed 25640679.